The following is an entry in ClinVar:

NM_152703.5(SAMD9L):c.3373C>T (p.Gln1125Ter)

Gene: SAMD9L (sterile alpha motif domain containing 9 like; minus strand). Cytogenetic location: 7q21.2.
Variant type: single nucleotide variant.
Coding change: c.3373C>T on transcript NM_152703.5 (MANE Select); coding-DNA position 3373, C replaced by T.
Protein change: p.Gln1125Ter; replaces glutamine 1125 with a stop codon.
Molecular consequence: nonsense.
Genome position (GRCh38, 1-based): chr7:93,132,599, G>A on the plus strand (C>T on the coding strand, the complement: SAMD9L is on the minus strand). VCF-style: chr7-93132599-G-A. GRCh37 (hg19) VCF-style: chr7-92761912-G-A.
Other names: c.3373C>T, p.Gln1125Ter (NM_001303496.3, NM_001303497.3, NM_001303498.3 and 5 more transcripts); short protein forms Q1125*.
Identifiers: ClinVar variation 2020080 (VCV002020080.4), dbSNP rs867639972, ClinGen allele CA161959434.

ClinVar aggregate classification (germline): Uncertain significance (1 of 4 stars; one submission).

Allele frequency attached by ClinVar (database versions not stated): TOPMed 0.00002.
gnomAD v4.1: 1 of 1,613,652 alleles (0.000062%); highest among the groups gnomAD compares: African/African-American, 0.0013%; no homozygotes.

Submission:

Labcorp Genetics (formerly Invitae), Labcorp
Classification: Uncertain significance. Last evaluated: 2022-11-01. Review status: criteria provided, single submitter. Criteria: Invitae Variant Classification Sherloc (09022015). Collection method: clinical testing. Allele origin: germline.
Comment: In summary, the available evidence is currently insufficient to determine the role of this variant in disease. Therefore, it has been classified as a Variant of Uncertain Significance. Experimental studies and prediction algorithms are not available or were not evaluated, and the functional significance of this variant is currently unknown. This variant has not been reported in the literature in individuals affected with SAMD9L-related conditions. This variant is not present in population databases (gnomAD no frequency). This sequence change creates a premature translational stop signal (p.Gln1125*) in the SAMD9L gene. While this is not anticipated to result in nonsense mediated decay, it is expected to disrupt the last 460 amino acid(s) of the SAMD9L protein.